The following is an entry in ClinVar:

ClinVar aggregate classification (germline): Uncertain significance (1 of 4 stars; one submission).

Conditions:
Hereditary cancer-predisposing syndrome. Also called: Neoplastic Syndromes, Hereditary; Tumor predisposition; Hereditary neoplastic syndrome; Hereditary Cancer Syndrome. Identifiers: Orphanet 140162, MedGen C0027672, MeSH D009386, MONDO:0015356.
Cardiovascular phenotype. Identifiers: MedGen CN230736.

Submission:

Ambry Genetics
Classification: Uncertain significance for Cardiovascular phenotype; Hereditary cancer-predisposing syndrome. Last evaluated: 2025-07-01. Review status: criteria provided, single submitter. Criteria: Ambry Variant Classification Scheme 2023. Collection method: clinical testing. Allele origin: germline.
Comment: The p.K1012N variant (also known as c.3036A>C), located in coding exon 23 of the NF1 gene, results from an A to C substitution at nucleotide position 3036. The lysine at codon 1012 is replaced by asparagine, an amino acid with similar properties. This amino acid position is conserved. In addition, this alteration is predicted to be tolerated by in silico analysis. Since supporting evidence is limited at this time, the clinical significance of this alteration remains unclear.

NM_001042492.3(NF1):c.3036A>C (p.Lys1012Asn)

Gene: NF1 (neurofibromin 1; plus strand). Cytogenetic location: 17q11.2.
Variant type: single nucleotide variant.
Coding change: c.3036A>C on transcript NM_001042492.3 (MANE Select); coding-DNA position 3036, A replaced by C.
Protein change: p.Lys1012Asn; replaces lysine 1012 with asparagine.
Molecular consequence: missense variant.
Genome position (GRCh38, 1-based): chr17:31,230,305, A>C. VCF-style: chr17-31230305-A-C. GRCh37 (hg19) VCF-style: chr17-29557323-A-C.
Other names: c.3036A>C, p.Lys1012Asn (NM_000267.4); short protein forms K1012N.
Identifiers: ClinVar variation 2452268 (VCV002452268.3), dbSNP rs2151431580, ClinGen allele CA398987332.